The following is an entry in ClinVar:

NM_001244008.2(KIF1A):c.1976G>A (p.Arg659His)

Gene: KIF1A (kinesin family member 1A; minus strand). Cytogenetic location: 2q37.3.
Variant type: single nucleotide variant.
Coding change: c.1976G>A on transcript NM_001244008.2 (MANE Select); coding-DNA position 1976, G replaced by A.
Protein change: p.Arg659His; replaces arginine 659 with histidine.
Molecular consequence: missense variant.
Genome position (GRCh38, 1-based): chr2:240,763,065, C>T on the plus strand (G>A on the coding strand, the complement: KIF1A is on the minus strand). VCF-style: chr2-240763065-C-T. GRCh37 (hg19) VCF-style: chr2-241702482-C-T.
Other names: c.1976G>A, p.Arg659His (NM_001320705.2, NM_001330289.2, NM_001379638.1); c.2051G>A, p.Arg684His (NM_001330290.2, NM_001379631.1, NM_001379634.1 and 2 more transcripts); c.1949G>A, p.Arg650His (NM_001379632.1, NM_001379633.1, NM_001379649.1 and 11 more transcripts); c.2024G>A, p.Arg675His (NM_001379637.1, NM_001379648.1); short protein forms R650H, R659H, R675H, R684H.
Identifiers: ClinVar variation 2431010 (VCV002431010.26), dbSNP rs1212608033, ClinGen allele CA351326681.

ClinVar aggregate classification (germline): Uncertain significance. Review status: criteria provided, multiple submitters, no conflicts (2 of 4 stars). 3 submissions from 3 submitters: Uncertain significance (3). Last evaluated 2024-02-01.

Conditions:
Neuropathy, hereditary sensory, type 2C. Also called: Hereditary sensory and autonomic neuropathy type IIC; KIF1A-Related HSAN2 (HSAN2C). Identifiers: Orphanet 970, MedGen C3280168, MONDO:0013634, OMIM 614213.
Intellectual disability, autosomal dominant 9 (NESCAVS). Also called: NESCAV SYNDROME; KIF1A-Related Neurodevelopmental Disorder. Identifiers: Orphanet 662367, MedGen C5393830, MONDO:0013656, OMIM 614255.
Hereditary spastic paraplegia 30. Identifiers: Orphanet 101010, MedGen C5235139, MONDO:0012476.

Allele frequency attached by ClinVar (database versions not stated): gnomAD 0.00001; gnomAD exomes 0.00001; TOPMed 0.00001.
gnomAD v4.1: 15 of 1,561,502 alleles (0.00096%); highest among the groups gnomAD compares: Non-Finnish European, 0.0013%; no homozygotes.

Submissions (3):

CeGaT Center for Human Genetics Tuebingen
Classification: Uncertain significance. Last evaluated: 2024-02-01. Review status: criteria provided, single submitter. Criteria: CeGaT Center For Human Genetics Tuebingen Variant Classification Criteria Version 2. Collection method: clinical testing. Allele origin: germline. Affected: yes. Observed: 1 variant allele.
Comment: KIF1A: PM2, PP2, PP3

Labcorp Genetics (formerly Invitae), Labcorp
Classification: Uncertain significance for Hereditary spastic paraplegia 30; Neuropathy, hereditary sensory, type 2C; Intellectual disability, autosomal dominant 9. Last evaluated: 2023-12-02. Review status: criteria provided, single submitter. Criteria: Invitae Variant Classification Sherloc (09022015). Collection method: clinical testing. Allele origin: germline.
Comment: This sequence change replaces arginine, which is basic and polar, with histidine, which is basic and polar, at codon 650 of the KIF1A protein (p.Arg650His). This variant is not present in population databases (gnomAD no frequency). This variant has not been reported in the literature in individuals affected with KIF1A-related conditions. ClinVar contains an entry for this variant (Variation ID: 2431010). Advanced modeling of protein sequence and biophysical properties (such as structural, functional, and spatial information, amino acid conservation, physicochemical variation, residue mobility, and thermodynamic stability) has been performed at Invitae for this missense variant, however the output from this modeling did not meet the statistical confidence thresholds required to predict the impact of this variant on KIF1A protein function. In summary, the available evidence is currently insufficient to determine the role of this variant in disease. Therefore, it has been classified as a Variant of Uncertain Significance.

GeneDx
Classification: Uncertain significance. Last evaluated: 2022-08-24. Review status: criteria provided, single submitter. Criteria: GeneDx Variant Classification Process June 2021. Collection method: clinical testing. Allele origin: germline. Affected: yes.
Comment: Not observed at significant frequency in large population cohorts (gnomAD); In silico analysis supports that this missense variant has a deleterious effect on protein structure/function; Has not been previously published as pathogenic or benign to our knowledge